The following is an entry in ClinVar:

ClinVar aggregate classification (germline): Uncertain significance (1 of 4 stars; one submission).

Conditions:
Cardiovascular phenotype. Identifiers: MedGen CN230736.

Submission:

Molecular Diagnostic Laboratory for Inherited Cardiovascular Disease, Montreal Heart Institute
Classification: Uncertain significance for Cardiovascular phenotype. Last evaluated: 2026-09-21. Review status: criteria provided, single submitter. Criteria: ACMG Guidelines, 2015. Collection method: clinical testing. Allele origin: germline. Affected: yes.
Comment: PM2, PM4

NM_000257.4(MYH7):c.434AGA[1] (p.Lys146del)

Gene: MYH7 (myosin heavy chain 7; minus strand). Cytogenetic location: 14q11.2.
Variant type: Microsatellite.
Coding change: c.434AGA[1] on transcript NM_000257.4 (MANE Select); one copy of the 3-base unit AGA starting at c.434; the reference has two copies in a row; one copy, 3 bases deleted.
Protein change: p.Lys146del; deletes lysine 146.
Molecular consequence: inframe deletion.
Genome position (GRCh38, 1-based): chr14:23,432,702-23,432,704, TCT deleted on the plus strand (AGA on the coding strand, the reverse complement: MYH7 is on the minus strand); deleting any 3 consecutive bases within chr14:23,432,702-23,432,708 gives the same sequence; the position shown is the placement nearest the transcript's 3' end. VCF-style (leftmost placement, unchanged base first): chr14-23432701-CTCT-C. GRCh37 (hg19) VCF-style: chr14-23901910-CTCT-C.
Other names: c.434AGA[1], p.Lys146del (NM_001407004.1); short protein forms K146del.
Identifiers: ClinVar variation 5037779 (VCV005037779.1).
Genomic context (GRCh38, chr14:23,432,701, plus strand): 5'-GTCAGCATGTACTGATAGGCGTTGTCGGAGATGGAGAAGATGTGGGGCGGGGCCTCGCTC[CTCT>C]TCTTGCCCCGGTAGGCAGCCACCACCTCAGGAGTGTACACCGGCAGCCACTTGTAAGGGT-3'